The following is an entry in ClinVar:

ClinVar aggregate classification (germline): Conflicting classifications of pathogenicity. Review status: criteria provided, conflicting classifications (1 of 4 stars). 3 submissions from 3 submitters: Uncertain significance (1); Likely benign (2). Last evaluated 2024-06-19.

Allele frequency attached by ClinVar (database versions not stated): gnomAD exomes 0.00002 and 0.00007; ExAC 0.00004; gnomAD 0.00005 and 0.00006; TOPMed 0.00008.
gnomAD v4.1: 34 of 1,549,520 alleles (0.0022%); highest among the groups gnomAD compares: Admixed American, 0.032%; no homozygotes.

Submissions (3):

Blueprint Genetics
Classification: Likely benign. Last evaluated: 2024-06-19. Review status: criteria provided, single submitter. Criteria: ACMG Guidelines, 2015. Collection method: clinical testing. Allele origin: germline.

Labcorp Genetics (formerly Invitae), Labcorp
Classification: Uncertain significance. Last evaluated: 2022-09-06. Review status: criteria provided, single submitter. Criteria: Invitae Variant Classification Sherloc (09022015). Collection method: clinical testing. Allele origin: germline.
Comment: This sequence change falls in intron 2 of the ECHS1 gene. It does not directly change the encoded amino acid sequence of the ECHS1 protein. It affects a nucleotide within the consensus splice site. This variant is present in population databases (rs760182094, gnomAD 0.04%). This variant has not been reported in the literature in individuals affected with ECHS1-related conditions. ClinVar contains an entry for this variant (Variation ID: 382599). Variants that disrupt the consensus splice site are a relatively common cause of aberrant splicing (PMID: 17576681, 9536098). Algorithms developed to predict the effect of sequence changes on RNA splicing suggest that this variant is not likely to affect RNA splicing. In summary, the available evidence is currently insufficient to determine the role of this variant in disease. Therefore, it has been classified as a Variant of Uncertain Significance.

GeneDx
Classification: Likely benign. Last evaluated: 2016-01-21. Review status: criteria provided, single submitter. Criteria: GeneDx Variant Classification (06012015). Collection method: clinical testing. Allele origin: germline. Affected: yes.
Comment: This variant is considered likely benign or benign based on one or more of the following criteria: it is a conservative change, it occurs at a poorly conserved position in the protein, it is predicted to be benign by multiple in silico algorithms, and/or has population frequency not consistent with disease.

Literature cited by the submitters: PubMed 17576681 (cited by Labcorp Genetics (formerly Invitae), Labcorp); PubMed 9536098 (cited by Labcorp Genetics (formerly Invitae), Labcorp).

NM_004092.4(ECHS1):c.286+6C>T

Gene: ECHS1 (enoyl-CoA hydratase, short chain 1; minus strand). Cytogenetic location: 10q26.3.
Variant type: single nucleotide variant.
Coding change: c.286+6C>T on transcript NM_004092.4 (MANE Select); 6 bases into the intron after coding-DNA position 286, C replaced by T.
Molecular consequence: intron variant.
Genome position (GRCh38, 1-based): chr10:133,370,554, G>A on the plus strand (C>T on the coding strand, the complement: ECHS1 is on the minus strand). VCF-style: chr10-133370554-G-A. GRCh37 (hg19) VCF-style: chr10-135184058-G-A.
Identifiers: ClinVar variation 382599 (VCV000382599.5), dbSNP rs760182094, ClinGen allele CA5765830.
Genomic context (GRCh38, chr10:133,370,554, plus strand): 5'-TTCTCCCAAGGCCATACGTGCCTCCCACATCTGCCCAGACACAAAGGCCTCTGCTGCCGC[G>A]CGTACCTGCAAAGGCCTTATCCCCGCCGGTGAGGACAATGGCCCCCACGGCCGGGTCCTC-3'